The following is an entry in ClinVar:

ClinVar aggregate classification (germline): Uncertain significance (1 of 4 stars; one submission).

Submission:

Labcorp Genetics (formerly Invitae), Labcorp
Classification: Uncertain significance. Last evaluated: 2021-04-05. Review status: criteria provided, single submitter. Criteria: Invitae Variant Classification Sherloc (09022015). Collection method: clinical testing. Allele origin: germline.
Comment: In summary, the available evidence is currently insufficient to determine the role of this variant in disease. Therefore, it has been classified as a Variant of Uncertain Significance. Algorithms developed to predict the effect of missense changes on protein structure and function output the following: SIFT: "Tolerated"; PolyPhen-2: "Benign"; Align-GVGD: "Class C0". The threonine amino acid residue is found in multiple mammalian species, suggesting that this missense change does not adversely affect protein function. These predictions have not been confirmed by published functional studies and their clinical significance is uncertain. This variant has not been reported in the literature in individuals with ALPK3-related conditions. This variant is not present in population databases (ExAC no frequency). This sequence change replaces proline with threonine at codon 444 of the ALPK3 protein (p.Pro444Thr). The proline residue is weakly conserved and there is a small physicochemical difference between proline and threonine.

NM_020778.5(ALPK3):c.724C>A (p.Pro242Thr)

Gene: ALPK3 (alpha kinase 3; plus strand). Cytogenetic location: 15q25.3.
Variant type: single nucleotide variant.
Coding change: c.724C>A on transcript NM_020778.5 (MANE Select); coding-DNA position 724, C replaced by A.
Protein change: p.Pro242Thr; replaces proline 242 with threonine.
Molecular consequence: missense variant.
Genome position (GRCh38, 1-based): chr15:84,840,003, C>A. VCF-style: chr15-84840003-C-A. GRCh37 (hg19) VCF-style: chr15-85383234-C-A.
Other names: short protein forms P242T.
Identifiers: ClinVar variation 1521661 (VCV001521661.8), dbSNP rs2141556560, ClinGen allele CA393373372.